The following is an entry in ClinVar:

NM_007294.4(BRCA1):c.92T>C (p.Ile31Thr)

Gene: BRCA1 (BRCA1 DNA repair associated; minus strand). Cytogenetic location: 17q21.31.
Variant type: single nucleotide variant.
Coding change: c.92T>C on transcript NM_007294.4 (MANE Select); coding-DNA position 92, T replaced by C.
Protein change: p.Ile31Thr; replaces isoleucine 31 with threonine.
Molecular consequence: missense variant. On other transcripts: non-coding transcript variant (1), intron variant (1).
Genome position (GRCh38, 1-based): chr17:43,115,768, A>G on the plus strand (T>C on the coding strand, the complement: BRCA1 is on the minus strand). VCF-style: chr17-43115768-A-G. GRCh37 (hg19) VCF-style: chr17-41267785-A-G.
Other names: c.92T>C, p.Ile31Thr (NM_001407605.1, NM_001407610.1, NM_001407611.1 and 192 more transcripts); c.-166T>C (NM_001407694.1, NM_001407696.1, NM_001407724.1 and 13 more transcripts); c.-170T>C (NM_001407695.1, NM_001408465.1); c.-50T>C (NM_001407697.1, NM_001407725.1, NM_001407728.1 and 47 more transcripts); c.-46T>C (NM_001407841.1); c.-97T>C (NM_001407853.1, NM_001407879.1, NM_001407882.1 and 52 more transcripts); c.-213T>C (NM_001407889.1, NM_001407900.1, NM_001408492.1); c.-212T>C (NM_001407960.1, NM_001407962.1, NM_001408510.1 and 1 more transcripts); and 2 more; short protein forms I31T.
Identifiers: ClinVar variation 867477 (VCV000867477.16), dbSNP rs2055259689, ClinGen allele CA10601969.
Genomic context (GRCh38, chr17:43,115,768, plus strand): 5'-TAACACATTCAAACTTACTTGCAAAATATGTGGTCACACTTTGTGGAGACAGGTTCCTTG[A>G]TCAACTCCAGACTAGCAGGGTAGGGGGGGAGAAAAAGAAAATAAATGAGGCTCAATAATT-3'
Protein context (NP_009225.1, residues 21-41): ILECPICLEL[Ile31Thr]KEPVSTKCDH

ClinVar aggregate classification (germline): Uncertain significance. Review status: criteria provided, multiple submitters, no conflicts (2 of 4 stars). 2 submissions from 2 submitters: Uncertain significance (2). Last evaluated 2024-07-05.

Conditions:
Hereditary breast ovarian cancer syndrome. Also called: Hereditary breast and/or ovarian cancer syndrome; BRCA1- and BRCA2-Associated Hereditary Breast and Ovarian Cancer; Hereditary breast and ovarian cancer syndrome; Hereditary breast and ovarian cancer; Hereditary breast and ovarian cancer syndrome (HBOC); Breast and ovarian cancer. Identifiers: Orphanet 145, MedGen C0677776, MeSH D061325, MONDO:0003582. Disease mechanism: loss of function.
Hereditary cancer-predisposing syndrome. Also called: Tumor predisposition; Hereditary Cancer Syndrome; Hereditary neoplastic syndrome; Neoplastic Syndromes, Hereditary. Identifiers: Orphanet 140162, MedGen C0027672, MeSH D009386, MONDO:0015356.

Submissions (3):

Ambry Genetics
Classification: Uncertain significance for Hereditary cancer-predisposing syndrome. Last evaluated: 2024-07-05. Review status: criteria provided, single submitter. Criteria: Ambry Variant Classification Scheme 2023. Collection method: clinical testing. Allele origin: germline.
Comment: The p.I31T variant (also known as c.92T>C), located in coding exon 2 of the BRCA1 gene, results from a T to C substitution at nucleotide position 92. The isoleucine at codon 31 is replaced by threonine, an amino acid with similar properties. One functional study found that this nucleotide substitution is functional in a high throughput genome editing haploid cell survival assay (Findlay GM et al. Nature, 2018 Oct;562:217-222). This amino acid position is highly conserved in available vertebrate species. In addition, this alteration is predicted to be deleterious by in silico analysis. Based on the available evidence, the clinical significance of this variant remains unclear.

Labcorp Genetics (formerly Invitae), Labcorp
Classification: Uncertain significance for Hereditary breast ovarian cancer syndrome. Last evaluated: 2020-02-15. Review status: criteria provided, single submitter. Criteria: Invitae Variant Classification Sherloc (09022015). Collection method: clinical testing. Allele origin: germline.
Comment: This sequence change replaces isoleucine with threonine at codon 31 of the BRCA1 protein (p.Ile31Thr). The isoleucine residue is moderately conserved and there is a moderate physicochemical difference between isoleucine and threonine. This variant is not present in population databases (ExAC no frequency). This variant has not been reported in the literature in individuals with BRCA1-related conditions. This variant has been reported to have conflicting or insufficient data to determine the effect on BRCA1 protein function (PMID: 30209399, 16403807). In summary, the available evidence is currently insufficient to determine the role of this variant in disease. Therefore, it has been classified as a Variant of Uncertain Significance.

Brotman Baty Institute, University of Washington
No classification provided (evidence only). Condition: Breast-ovarian cancer, familial 1. Review status: no classification provided. Collection method: in vitro. Allele origin: not applicable. Functional consequence: functionally_normal. Not counted in ClinVar's aggregate classification.
ClinVar note: "not provided" was previously submitted as the classification for the variant. However, the classification appeared to be based only on an observation of functional data so it was converted to no classification on 2025-07-30.

Literature cited by the submitters: PubMed 30209399 (cited by Ambry Genetics and Labcorp Genetics (formerly Invitae), Labcorp); PubMed 16403807 (cited by Labcorp Genetics (formerly Invitae), Labcorp).